The following is an entry in ClinVar:

NC_000016.9:g.(?_2113445)_(2173972_?)del

Genes: MIR1225 (microRNA 1225; minus strand), PKD1 (polycystin 1, transient receptor potential channel interacting; minus strand), TSC2 (TSC complex subunit 2; plus strand). Cytogenetic location: 16p13.3.
Variant type: Deletion.
Identifiers: ClinVar variation 3243450 (VCV003243450.1).

ClinVar aggregate classification (germline): Pathogenic (1 of 4 stars; one submission).

Conditions:
Tuberous sclerosis 2 (TSC2). Identifiers: Orphanet 805, MedGen C1860707, MONDO:0013199, OMIM 613254.

Submission:

Labcorp Genetics (formerly Invitae), Labcorp
Classification: Pathogenic for Tuberous sclerosis 2. Last evaluated: 2018-11-30. Review status: criteria provided, single submitter. Criteria: Invitae Variant Classification Sherloc (09022015). Collection method: clinical testing. Allele origin: unknown.
Comment: For these reasons, this variant has been classified as Pathogenic. This variant disrupts the C-terminus of the TSC2 protein. Other variant(s) that disrupt this region (p.Phe1803Leufs*42,¬†p.Ser1761Leufs*60,¬† deletion of exons 31-42) have been determined to be pathogenic (PMID: 24789117,¬†25498131,¬†17287951, Invitae). This suggests that disruption of this region of the protein is causative of disease. Similar deletions of exons 15-42 (reported as e16-41del) have been observed in individuals affected with tuberous sclerosis complex (PMID:¬†17287951). This variant is a deletion of the genomic region encompassing exons 15-42 and part of intron 14 (c.1443+391_*35361del) of the TSC2 gene. While this is not anticipated to result in nonsense mediated decay, it likely alters RNA splicing and results in a disrupted protein product.

Literature cited by the submitters: PubMed 24789117.